The following is an entry in ClinVar:

NM_001111125.3(IQSEC2):c.3766G>A (p.Val1256Met)

Gene: IQSEC2 (IQ motif and Sec7 domain ArfGEF 2; minus strand). Cytogenetic location: Xp11.22.
Variant type: single nucleotide variant.
Coding change: c.3766G>A on transcript NM_001111125.3 (MANE Select); coding-DNA position 3766, G replaced by A.
Protein change: p.Val1256Met; replaces valine 1256 with methionine.
Molecular consequence: missense variant. On other transcripts: 3 prime UTR variant (1).
Genome position (GRCh38, 1-based): chrX:53,234,920, C>T on the plus strand (G>A on the coding strand, the complement: IQSEC2 is on the minus strand). VCF-style: chrX-53234920-C-T. GRCh37 (hg19) VCF-style: chrX-53264102-C-T.
Other names: c.*251G>A (NM_001410736.1, NM_015075.2); short protein forms V1256M.
Identifiers: ClinVar variation 1734721 (VCV001734721.2), dbSNP rs1556859193, ClinGen allele CA413140978.
Genomic context (GRCh38, chrX:53,234,920, plus strand): 5'-CCGGTCCTTGGCAATACTGGGCATGCAGGGCCTGGAGCTTGGACTGCCCATCAGGCAGCA[C>T]CCCCAGGCCACCGTGGCTATGGCCATGATGGTGGTGGTGGTGGTGGTGGTGCGTGGAAGA-3'
Protein context (NP_001104595.1, residues 1246-1266): HHGHSHGGLG[Val1256Met]LPDGQSKLQA

ClinVar aggregate classification (germline): Uncertain significance (1 of 4 stars; one submission).

Conditions:
Inborn genetic diseases. Identifiers: MedGen C0950123, MeSH D030342.

Allele frequency attached by ClinVar (database versions not stated): gnomAD exomes 0.00001.
gnomAD v4.1: 15 of 1,166,874 alleles (0.0013%); highest among the groups gnomAD compares: Admixed American, 0.0026%; no homozygotes.

Submission:

Ambry Genetics
Classification: Uncertain significance for Inborn genetic diseases. Last evaluated: 2018-12-03. Review status: criteria provided, single submitter. Criteria: Ambry Variant Classification Scheme 2023. Collection method: clinical testing. Allele origin: germline.
Comment: The p.V1256M variant (also known as c.3766G>A), located in coding exon 15 of the IQSEC2 gene, results from a G to A substitution at nucleotide position 3766. The valine at codon 1256 is replaced by methionine, an amino acid with highly similar properties. This amino acid position is not well conserved in available vertebrate species. In addition, this alteration is predicted to be tolerated by in silico analysis. Since supporting evidence is limited at this time, the clinical significance of this alteration remains unclear.